The following is an entry in ClinVar:

NM_004086.3(COCH):c.1053C>A (p.Cys351Ter)

Genes: COCH (cochlin; plus strand), LOC100506071 (uncharacterized LOC100506071; minus strand). Cytogenetic location: 14q12.
Variant type: single nucleotide variant.
Coding change: c.1053C>A on transcript NM_004086.3 (MANE Select); coding-DNA position 1053, C replaced by A.
Protein change: p.Cys351Ter; replaces cysteine 351 with a stop codon.
Molecular consequence: nonsense. On other transcripts: non-coding transcript variant (1).
Genome position (GRCh38, 1-based): chr14:30,885,888, C>A. VCF-style: chr14-30885888-C-A. GRCh37 (hg19) VCF-style: chr14-31355094-C-A.
Other names: c.1053C>A, p.Cys351Ter (NM_001135058.2); c.1248C>A, p.Cys416Ter (NM_001347720.2); short protein forms C351*, C416*.
Identifiers: ClinVar variation 869458 (VCV000869458.2), dbSNP rs1895773215, ClinGen allele CA389348167.

ClinVar aggregate classification (germline): Likely pathogenic (1 of 4 stars; one submission).

Conditions:
Hearing loss, autosomal recessive 110. Also called: DEAFNESS, AUTOSOMAL RECESSIVE 110. Identifiers: MedGen C4748162, MONDO:0054860, OMIM 618094.

Submission:

Victorian Clinical Genetics Services, Murdoch Childrens Research Institute
Classification: Likely pathogenic for Hearing loss, autosomal recessive 110. Last evaluated: 2018-04-26. Review status: criteria provided, single submitter. Criteria: ACMG Guidelines, 2015. Collection method: clinical testing. Allele origin: unknown. Affected: yes.
Comment: A homozygous nonsense variant, NM_004086.2(COCH):c.1053C>A, has been identified in exon 11 of 12 of the COCH gene. This variant is predicted to result in loss of protein function either through truncation (including von Willebrand factor A-like domain) or nonsense-mediated decay. The variant is absent in population databases (gnomAD, dbSNP, 1000G). This variant has not been previously reported in clinical cases. Based oncurrent information, this variant has been classified as LIKELY PATHOGENIC.NB: This variant has been reclassified to likely pathogenic due to confirming homozygosity in this patient by testing of the parents and updated published information regarding ahomozygous loss-of-function variant in this gene being associated with congenital hearing loss (JanssensdeVarebeke et al, 2018).